The following is an entry in ClinVar:

ClinVar aggregate classification (germline): Uncertain significance (1 of 4 stars; one submission).

Allele frequency attached by ClinVar (database versions not stated): gnomAD exomes 0.00001.

Submission:

Labcorp Genetics (formerly Invitae), Labcorp
Classification: Uncertain significance. Last evaluated: 2022-05-25. Review status: criteria provided, single submitter. Criteria: Invitae Variant Classification Sherloc (09022015). Collection method: clinical testing. Allele origin: germline.
Comment: In summary, the available evidence is currently insufficient to determine the role of this variant in disease. Therefore, it has been classified as a Variant of Uncertain Significance. This variant has not been reported in the literature in individuals affected with ANKZF1-related conditions. This variant is not present in population databases (gnomAD no frequency). This sequence change creates a premature translational stop signal (p.Ala615Glyfs*28) in the ANKZF1 gene. It is expected to result in an absent or disrupted protein product. However, the current clinical and genetic evidence is not sufficient to establish whether loss-of-function variants in ANKZF1 cause disease.

NM_018089.3(ANKZF1):c.1841dup (p.Ala615fs)

Gene: ANKZF1 (ankyrin repeat and zinc finger peptidyl tRNA hydrolase 1; plus strand). Cytogenetic location: 2q35.
Variant type: Duplication.
Coding change: c.1841dup on transcript NM_018089.3 (MANE Select); coding-DNA position 1841, one base duplicated (A; older notation c.1841dupA).
Protein change: p.Ala615fs; shifts the reading frame from alanine 615.
Molecular consequence: frameshift variant.
Genome position (GRCh38, 1-based): chr2:219,235,745, A duplicated. VCF-style (leftmost placement, unchanged base first): chr2-219235744-C-CA. GRCh37 (hg19) VCF-style: chr2-220100466-C-CA.
Other names: c.1841dup, p.Ala615fs (NM_001042410.2); c.1211dup, p.Ala405fs (NM_001282792.2); short protein forms A615fs, A405fs.
Identifiers: ClinVar variation 1998496 (VCV001998496.4), dbSNP rs2544932970, ClinGen allele CA2577250240.